The following is an entry in ClinVar:

ClinVar aggregate classification (germline): Uncertain significance (1 of 4 stars; one submission).

Conditions:
Hereditary cancer-predisposing syndrome. Also called: Neoplastic Syndromes, Hereditary; Tumor predisposition; Hereditary Cancer Syndrome; Hereditary neoplastic syndrome. Identifiers: Orphanet 140162, MedGen C0027672, MeSH D009386, MONDO:0015356.

Allele frequency attached by ClinVar (database versions not stated): gnomAD exomes below 0.00001.
gnomAD v4.1: 1 of 1,614,156 alleles (0.000062%); highest among the groups gnomAD compares: East Asian, 0.0022%; no homozygotes.

Submission:

Ambry Genetics
Classification: Uncertain significance for Hereditary cancer-predisposing syndrome. Last evaluated: 2022-08-15. Review status: criteria provided, single submitter. Criteria: Ambry Variant Classification Scheme 2023. Collection method: clinical testing. Allele origin: germline.
Comment: The p.S359G variant (also known as c.1075A>G), located in coding exon 4 of the PALB2 gene, results from an A to G substitution at nucleotide position 1075. The serine at codon 359 is replaced by glycine, an amino acid with similar properties. This amino acid position is conserved. In addition, this alteration is predicted to be tolerated by in silico analysis. Since supporting evidence is limited at this time, the clinical significance of this alteration remains unclear.

NM_024675.4(PALB2):c.1075A>G (p.Ser359Gly)

Gene: PALB2 (partner and localizer of BRCA2; minus strand). Cytogenetic location: 16p12.2.
Variant type: single nucleotide variant.
Coding change: c.1075A>G on transcript NM_024675.4 (MANE Select); coding-DNA position 1075, A replaced by G.
Protein change: p.Ser359Gly; replaces serine 359 with glycine.
Molecular consequence: missense variant.
Genome position (GRCh38, 1-based): chr16:23,635,471, T>C on the plus strand (A>G on the coding strand, the complement: PALB2 is on the minus strand). VCF-style: chr16-23635471-T-C. GRCh37 (hg19) VCF-style: chr16-23646792-T-C.
Other names: c.1015A>G, p.Ser339Gly (NM_001407296.1); c.1075A>G, p.Ser359Gly (NM_001407297.1, NM_001407298.1, NM_001407299.1 and 3 more transcripts); c.190A>G, p.Ser64Gly (NM_001407304.1, NM_001407305.1, NM_001407306.1 and 5 more transcripts); short protein forms S339G, S359G, S64G.
Identifiers: ClinVar variation 1784636 (VCV001784636.2), dbSNP rs2506489887, ClinGen allele CA395133979.